The following is an entry in ClinVar:

ClinVar aggregate classification (germline): Likely benign. Review status: criteria provided, multiple submitters, no conflicts (2 of 4 stars). 2 submissions from 2 submitters: Likely benign (2). Last evaluated 2024-11-27.

Allele frequency attached by ClinVar (database versions not stated): ExAC 0.00253; gnomAD 0.00350; 1000 Genomes Project 0.00399; gnomAD exomes 0.00413; 1000 Genomes Project 30x 0.00422; TOPMed 0.00459; ESP Exome Variant Server 0.00526.

Submissions (2):

Blueprint Genetics
Classification: Likely benign. Last evaluated: 2024-11-27. Review status: criteria provided, single submitter. Criteria: ACMG Guidelines, 2015. Collection method: clinical testing. Allele origin: germline.

GeneDx
Classification: Likely benign. Last evaluated: 2017-11-13. Review status: criteria provided, single submitter. Criteria: GeneDx Variant Classification (06012015). Collection method: clinical testing. Allele origin: germline. Affected: yes.
Comment: This variant is considered likely benign or benign based on one or more of the following criteria: it is a conservative change, it occurs at a poorly conserved position in the protein, it is predicted to be benign by multiple in silico algorithms, and/or has population frequency not consistent with disease.

NM_001436401.1(NOBOX):c.1423+18G>A

Gene: NOBOX (NOBOX oogenesis homeobox; minus strand). Cytogenetic location: 7q35.
Variant type: single nucleotide variant.
Coding change: c.1423+18G>A on transcript NM_001436401.1 (MANE Select); 18 bases into the intron after coding-DNA position 1423, G replaced by A.
Molecular consequence: intron variant.
Genome position (GRCh38, 1-based): chr7:144,398,264, C>T on the plus strand (G>A on the coding strand, the complement: NOBOX is on the minus strand). VCF-style: chr7-144398264-C-T. GRCh37 (hg19) VCF-style: chr7-144095357-C-T.
Other names: NM_001080413.3:c.1774+18G>A; c.871+18G>A (NM_001436402.1).
Identifiers: ClinVar variation 381954 (VCV000381954.2), dbSNP rs142147025, ClinGen allele CA4544506.